The following is an entry in ClinVar:

NC_012920.1(MT-ND5):m.13524C>A

Gene: MT-ND5 (mitochondrially encoded NADH dehydrogenase 5; plus strand).
Variant type: single nucleotide variant.
Genome position: chrM-13524-C-A.
Identifiers: ClinVar variation 693568 (VCV000693568.1), dbSNP rs1603224219, ClinGen allele CA913171021.

ClinVar aggregate classification (germline): Uncertain significance (1 of 4 stars; one submission).

Conditions:
Leigh syndrome (NULS). Also called: Leigh's necrotizing encephalopathy; Leigh's disease; Leigh Syndrome (mtDNA deletion); Leigh Disease; Subacute necrotizing encephalopathy; Necrotizing encephalopathy infantile subacute of Leigh. Identifiers: Orphanet 506, MedGen C2931891, MONDO:0009723, OMIM 256000.

Submission:

Wong Mito Lab, Molecular and Human Genetics, Baylor College of Medicine
Classification: Uncertain significance for Leigh syndrome. Last evaluated: 2019-10-17. Review status: criteria provided, single submitter. Criteria: Modified ACMG Guidelines (Unpublished). Collection method: clinical testing. Allele origin: germline.
Comment: The NC_012920.1:m.13524C>A (YP_003024036.1:p.Ile396Met) variant in MTND5 gene is interpretated to be a Uncertain Significance variant based on the modified ACMG guidelines (unpublished). This variant meets the following evidence codes: BS4, PP7